The following is an entry in ClinVar:

NM_001369268.1(ACAN):c.4281T>G (p.Asp1427Glu)

Gene: ACAN (aggrecan; plus strand). Cytogenetic location: 15q26.1.
Variant type: single nucleotide variant.
Coding change: c.4281T>G on transcript NM_001369268.1 (MANE Select); coding-DNA position 4281, T replaced by G.
Protein change: p.Asp1427Glu; replaces aspartic acid 1427 with glutamic acid.
Molecular consequence: missense variant.
Genome position (GRCh38, 1-based): chr15:88,856,866, T>G. VCF-style: chr15-88856866-T-G. GRCh37 (hg19) VCF-style: chr15-89400097-T-G.
Other names: c.4281T>G, p.Asp1427Glu (NM_001135.4, NM_001411096.1, NM_001411097.1 and 1 more transcripts); short protein forms D1427E.
Identifiers: ClinVar variation 2691367 (VCV002691367.1), dbSNP rs377697360, ClinGen allele CA7720014.

ClinVar aggregate classification (germline): Uncertain significance (1 of 4 stars; one submission).

Allele frequency attached by ClinVar (database versions not stated): gnomAD 0.00132.

Submission:

Women's Health and Genetics/Laboratory Corporation of America, LabCorp
Classification: Uncertain significance. Last evaluated: 2023-12-21. Review status: criteria provided, single submitter. Criteria: LabCorp Variant Classification Summary - May 2015. Collection method: clinical testing. Allele origin: germline.
Comment: Variant summary: ACAN c.4281T>G (p.Asp1427Glu) results in a conservative amino acid change in the encoded protein sequence. Five of five in-silico tools predict a benign effect of the variant on protein function. The variant allele was found at a frequency of 0.00017 in 241688 control chromosomes in the gnomAD database, including 1 homozygote. However, the data at this position is of uncertain quality, so this frequency does not allow for unequivocal conclusions about variant significance. To our knowledge, no occurrence of c.4281T>G in individuals affected with ACAN-Related Disorders and no experimental evidence demonstrating its impact on protein function have been reported. No submitters have cited clinical-significance assessments for this variant to ClinVar after 2014. Based on the evidence outlined above, the variant was classified as uncertain significance.